The following is an entry in ClinVar:

ClinVar aggregate classification (germline): Likely benign. Review status: criteria provided, multiple submitters, no conflicts (2 of 4 stars). 4 submissions from 4 submitters: Likely benign (4). Last evaluated 2025-10-01.

Conditions:
Dyskeratosis congenita. Identifiers: Orphanet 1775, MedGen C0265965, MONDO:0015780.
Idiopathic Pulmonary Fibrosis. Also called: Idiopathic fibrosing alveolitis, chronic form; idiopathic fibrosing alveolitis. Identifiers: Orphanet 2032, MedGen C1800706, MeSH D054990, MONDO:0800504.
Dyskeratosis congenita, autosomal dominant 2. Identifiers: MedGen C3151443, MONDO:0013521, OMIM 613989.

Allele frequency attached by ClinVar (database versions not stated): gnomAD 0.00001; gnomAD exomes 0.00001.
gnomAD v4.1: 11 of 1,553,956 alleles (0.00071%); highest among the groups gnomAD compares: East Asian, 0.017%; no homozygotes.

Submissions (4):

CeGaT Center for Human Genetics Tuebingen
Classification: Likely benign. Last evaluated: 2025-10-01. Review status: criteria provided, single submitter. Criteria: CeGaT Center For Human Genetics Tuebingen Variant Classification Criteria Version 2. Collection method: clinical testing. Allele origin: germline. Affected: yes. Observed: 3 variant alleles.
Comment: TERT: BP4, BP7

Labcorp Genetics (formerly Invitae), Labcorp
Classification: Likely benign for Dyskeratosis congenita, autosomal dominant 2; Idiopathic Pulmonary Fibrosis. Last evaluated: 2025-07-17. Review status: criteria provided, single submitter. Criteria: Invitae Variant Classification Sherloc (09022015). Collection method: clinical testing. Allele origin: germline.

Blueprint Genetics
Classification: Likely benign. Last evaluated: 2023-03-06. Review status: criteria provided, single submitter. Criteria: ACMG Guidelines, 2015. Collection method: clinical testing. Allele origin: germline.

Ambry Genetics
Classification: Likely benign for Dyskeratosis congenita. Last evaluated: 2022-03-16. Review status: criteria provided, single submitter. Criteria: Ambry Variant Classification Scheme 2023. Collection method: clinical testing. Allele origin: germline.

NM_198253.3(TERT):c.2016C>T (p.Arg672=)

Gene: TERT (telomerase reverse transcriptase; minus strand). Cytogenetic location: 5p15.33.
Variant type: single nucleotide variant.
Coding change: c.2016C>T on transcript NM_198253.3 (MANE Select); coding-DNA position 2016, C replaced by T.
Protein change: p.Arg672=; no amino-acid change (arginine 672 retained).
Molecular consequence: synonymous variant. On other transcripts: non-coding transcript variant (2).
Genome position (GRCh38, 1-based): chr5:1,279,405, G>A on the plus strand (C>T on the coding strand, the complement: TERT is on the minus strand). VCF-style: chr5-1279405-G-A. GRCh37 (hg19) VCF-style: chr5-1279520-G-A.
Other names: c.2016C>T, p.Arg672= (NM_001193376.3).
Identifiers: ClinVar variation 471847 (VCV000471847.34), dbSNP rs1283231300, ClinGen allele CA443024898.